The following is an entry in ClinVar:

NM_033380.3(COL4A5):c.3655_3680del (p.Pro1219fs)

Gene: COL4A5 (collagen type IV alpha 5 chain; plus strand). Cytogenetic location: Xq22.3.
Variant type: Deletion.
Coding change: c.3655_3680del on transcript NM_033380.3 (MANE Select); coding-DNA positions 3655 to 3680, 26 bases deleted (CCAGGTCCAAAGGGCGAACCAGGCTT).
Protein change: p.Pro1219fs; shifts the reading frame from proline 1219.
Molecular consequence: frameshift variant.
Genome position (GRCh38, 1-based): chrX:108,668,369-108,668,394, CCAGGTCCAAAGGGCGAACCAGGCTT deleted; deleting any 26 consecutive bases within chrX:108,668,366-108,668,394 gives the same sequence; the c. name uses the placement nearest the transcript's 3' end. VCF-style (leftmost placement, unchanged base first): chrX-108668365-CCTTCCAGGTCCAAAGGGCGAACCAGG-C. GRCh37 (hg19) VCF-style: chrX-107911595-CCTTCCAGGTCCAAAGGGCGAACCAGG-C.
Other names: c.3655_3680del, p.Pro1219fs (NM_000495.5); short protein forms P1219fs.
Identifiers: ClinVar variation 2743368 (VCV002743368.3), dbSNP rs2524575008, ClinGen allele CA2697544720.

ClinVar aggregate classification (germline): Pathogenic (1 of 4 stars; one submission).

Submission:

Labcorp Genetics (formerly Invitae), Labcorp
Classification: Pathogenic. Last evaluated: 2023-09-08. Review status: criteria provided, single submitter. Criteria: Invitae Variant Classification Sherloc (09022015). Collection method: clinical testing. Allele origin: germline.
Comment: This variant is not present in population databases (gnomAD no frequency). For these reasons, this variant has been classified as Pathogenic. This premature translational stop signal has been observed in individual(s) with Alport syndrome (Invitae). In at least one individual the variant was observed to be de novo. This sequence change creates a premature translational stop signal (p.Pro1219Serfs*24) in the COL4A5 gene. It is expected to result in an absent or disrupted protein product. Loss-of-function variants in COL4A5 are known to be pathogenic (PMID: 9195222, 10752524, 14514738, 24854265, 26809805).

Literature cited by the submitters: PubMed 9195222; PubMed 10752524; PubMed 14514738; PubMed 24854265; PubMed 26809805.